The following is an entry in ClinVar:

NM_001142800.2(EYS):c.7666A>T (p.Ser2556Cys)

Gene: EYS (EGF-like photoreceptor maintenance factor; minus strand). Cytogenetic location: 6q12.
Variant type: single nucleotide variant.
Coding change: c.7666A>T on transcript NM_001142800.2 (MANE Select); coding-DNA position 7666, A replaced by T.
Protein change: p.Ser2556Cys; replaces serine 2556 with cysteine.
Molecular consequence: missense variant.
Genome position (GRCh38, 1-based): chr6:63,788,162, T>A on the plus strand (A>T on the coding strand, the complement: EYS is on the minus strand). VCF-style: chr6-63788162-T-A. GRCh37 (hg19) VCF-style: chr6-64498055-T-A.
Other names: p.S2556C:AGT>TGT; c.7666A>T, p.Ser2556Cys (NM_001292009.2); c.7666A>T (FM209056.1); short protein forms S2556C.
Identifiers: ClinVar variation 137259 (VCV000137259.24), dbSNP rs66462731, ClinGen allele CA180009.
Genomic context (GRCh38, chr6:63,788,162, plus strand): 5'-TACCTTGAAAACCATTTTTAAAATCTGCTCCATTTGGTAAGAGATCTGGAGTGTATTCAC[T>A]GTAGCCACCTACATAAAACTGACTGAAGACATTGAGACCAACCAGTCTTCCTGGGGCGAT-3'
Protein context (NP_001136272.1, residues 2546-2566): VFSQFYVGGY[Ser2556Cys]EYTPDLLPNG

ClinVar aggregate classification (germline): Benign/Likely benign. Review status: criteria provided, multiple submitters, no conflicts (2 of 4 stars). 9 submissions from 9 submitters: Benign (7); Likely benign (1). 1 of the submissions does not count toward it. Last evaluated 2026-02-04.

Conditions:
Retinal dystrophy. Also called: Inherited retinal dystrophy. Identifiers: Orphanet 71862, MedGen C0854723, MeSH D058499, MONDO:0019118, HP:0000556.
Retinitis pigmentosa (RP). Identifiers: Orphanet 791, MedGen C0035334, MeSH D012174, MONDO:0019200, OMIM 268000. Inheritance: Autosomal dominant, autosomal recessive and X linked inheritance.
Retinitis pigmentosa 25 (RP25). Identifiers: Orphanet 791, MedGen C1864446, MONDO:0011272, OMIM 602772.

Allele frequency attached by ClinVar (database versions not stated): ESP Exome Variant Server 0.07687; ExAC 0.07773; 1000 Genomes Project 0.08986; TOPMed 0.08066; 1000 Genomes Project 30x 0.08838; gnomAD 0.08861.
gnomAD v4.1: 128,778 of 1,548,568 alleles (8.3%); highest among the groups gnomAD compares: East Asian, 19%; 5,872 homozygotes.

Submissions (9):

Labcorp Genetics (formerly Invitae), Labcorp
Classification: Benign. Last evaluated: 2026-02-04. Review status: criteria provided, single submitter. Criteria: Invitae Variant Classification Sherloc (09022015). Collection method: clinical testing. Allele origin: germline.

Women's Health and Genetics/Laboratory Corporation of America, LabCorp
Classification: Likely benign. Last evaluated: 2025-12-02. Review status: criteria provided, single submitter. Criteria: LabCorp Variant Classification Summary - May 2015. Collection method: clinical testing. Allele origin: germline.

Blueprint Genetics
Classification: Benign. Last evaluated: 2024-11-26. Review status: criteria provided, single submitter. Criteria: ACMG Guidelines, 2015. Collection method: clinical testing. Allele origin: germline.

Dept Of Ophthalmology, Nagoya University
Classification: Benign for Retinal dystrophy. Last evaluated: 2023-10-01. Review status: criteria provided, single submitter. Criteria: Submitter's publication. Collection method: research. Allele origin: germline. Affected: yes.

Genome-Nilou Lab
Classification: Benign for Retinitis pigmentosa 25. Last evaluated: 2021-07-01. Review status: criteria provided, single submitter. Criteria: ACMG Guidelines, 2015. Collection method: clinical testing. Allele origin: germline. Affected: no.

Illumina Laboratory Services, Illumina
Classification: Benign for Retinitis pigmentosa. Last evaluated: 2018-01-13. Review status: criteria provided, single submitter. Criteria: ICSL Variant Classification Criteria 13 December 2019. Collection method: clinical testing. Allele origin: germline.
Comment: This variant was observed in the ICSL laboratory as part of a predisposition screen in an ostensibly healthy population. It had not been previously curated by ICSL or reported in the Human Gene Mutation Database (HGMD: prior to June 1st, 2018), and was therefore a candidate for classification through an automated scoring system. Utilizing variant allele frequency, disease prevalence and penetrance estimates, and inheritance mode, an automated score was calculated to assess if this variant is too frequent to cause the disease. Based on the score and internal cut-off values, a variant classified as benign is not then subjected to further curation. The score for this variant resulted in a classification of benign for this disease.

Eurofins Ntd Llc (ga)
Classification: Benign. Last evaluated: 2014-02-19. Review status: criteria provided, single submitter. Criteria: EGL Classification Definitions 2015. Collection method: clinical testing. Allele origin: germline. Observed: 1 variant allele, 1 heterozygote.

GeneDx
Classification: Benign. Last evaluated: 2011-07-13. Review status: criteria provided, single submitter. Criteria: GeneDx Variant Classification (06012015). Collection method: clinical testing. Allele origin: germline. Affected: yes.
Comment: This variant is considered likely benign or benign based on one or more of the following criteria: it is a conservative change, it occurs at a poorly conserved position in the protein, it is predicted to be benign by multiple in silico algorithms, and/or has population frequency not consistent with disease.

Natera, Inc.
Classification: Benign for Retinitis pigmentosa. Last evaluated: 2020-09-16. Review status: no assertion criteria provided. Collection method: clinical testing. Allele origin: germline. Not counted in ClinVar's aggregate classification.